The following is an entry in ClinVar:

NM_012452.3(TNFRSF13B):c.431C>A (p.Ser144Ter)

Gene: TNFRSF13B (TNF receptor superfamily member 13B; minus strand). Cytogenetic location: 17p11.2.
Variant type: single nucleotide variant.
Coding change: c.431C>A on transcript NM_012452.3 (MANE Select); coding-DNA position 431, C replaced by A.
Protein change: p.Ser144Ter; replaces serine 144 with a stop codon.
Molecular consequence: nonsense.
Genome position (GRCh38, 1-based): chr17:16,948,752, G>T on the plus strand (C>A on the coding strand, the complement: TNFRSF13B is on the minus strand). VCF-style: chr17-16948752-G-T. GRCh37 (hg19) VCF-style: chr17-16852066-G-T.
Other names: short protein forms S144*.
Identifiers: ClinVar variation 5307 (VCV000005307.9), dbSNP rs104894650, ClinGen allele CA117397.

ClinVar aggregate classification (germline): Pathogenic. Review status: criteria provided, multiple submitters, no conflicts (2 of 4 stars). 3 submissions from 3 submitters: Pathogenic (2). 1 of the submissions does not count toward it. Last evaluated 2025-09-03.

Conditions:
TNFRSF13B-related disorder. Also called: TNFRSF13B-related condition.
Immunodeficiency, common variable, 2 (CVID2). Also called: ANTIBODY DEFICIENCY DUE TO TACI DEFECT; HYPOGAMMAGLOBULINEMIA DUE TO TACI DEFICIENCY. Identifiers: Orphanet 1572, MedGen C3150354, MONDO:0009413, OMIM 240500.

Allele frequency attached by ClinVar (database versions not stated): TOPMed 0.00003.
gnomAD v4.1: 61 of 1,613,948 alleles (0.0038%); highest among the groups gnomAD compares: Non-Finnish European, 0.0047%; no homozygotes.

Submissions (3):

Labcorp Genetics (formerly Invitae), Labcorp
Classification: Pathogenic for Immunodeficiency, common variable, 2. Last evaluated: 2025-09-03. Review status: criteria provided, single submitter. Criteria: Invitae Variant Classification Sherloc (09022015). Collection method: clinical testing. Allele origin: germline.
Comment: This sequence change creates a premature translational stop signal (p.Ser144*) in the TNFRSF13B gene. It is expected to result in an absent or disrupted protein product. Loss-of-function variants in TNFRSF13B are known to be pathogenic (PMID: 16007087, 27123465). This variant is present in population databases (rs104894650, gnomAD 0.0009%). This premature translational stop signal has been observed in individual(s) with common variable immunodeficiency or hypogammaglobulinemia (PMID: 16007087, 25959671). ClinVar contains an entry for this variant (Variation ID: 5307). For these reasons, this variant has been classified as Pathogenic.

Blueprint Genetics
Classification: Pathogenic for TNFRSF13B-related disorders. Last evaluated: 2024-11-21. Review status: criteria provided, single submitter. Criteria: ACMG Guidelines, 2015. Collection method: clinical testing. Allele origin: germline. Affected: yes. Observed: 5 variant alleles.

OMIM
Classification: Pathogenic for IMMUNODEFICIENCY, COMMON VARIABLE, 2. Last evaluated: 2005-08-01. Review status: no assertion criteria provided. Collection method: literature only. Allele origin: germline. Not counted in ClinVar's aggregate classification.

Literature cited by the submitters: PubMed 16007087 (cited by Labcorp Genetics (formerly Invitae), Labcorp and OMIM); PubMed 27123465 (cited by Labcorp Genetics (formerly Invitae), Labcorp); PubMed 25959671 (cited by Labcorp Genetics (formerly Invitae), Labcorp).